The following is an entry in ClinVar:

ClinVar aggregate classification (germline): Likely benign (1 of 4 stars; one submission).

gnomAD v4.1: 2 of 1,516,816 alleles (0.00013%); highest among the groups gnomAD compares: Non-Finnish European, 0.00018%; no homozygotes.

Submission:

CeGaT Center for Human Genetics Tuebingen
Classification: Likely benign. Last evaluated: 2025-05-01. Review status: criteria provided, single submitter. Criteria: CeGaT Center For Human Genetics Tuebingen Variant Classification Criteria Version 2. Collection method: clinical testing. Allele origin: germline. Affected: yes. Observed: 1 variant allele.
Comment: EGFR: BP4, BP7

NM_005228.5(EGFR):c.3271+53A>C

Gene: EGFR (epidermal growth factor receptor; plus strand). Cytogenetic location: 7p11.2.
Variant type: single nucleotide variant.
Coding change: c.3271+53A>C on transcript NM_005228.5 (MANE Select); 53 bases into the intron after coding-DNA position 3271, A replaced by C.
Molecular consequence: intron variant. On other transcripts: synonymous variant (2).
Genome position (GRCh38, 1-based): chr7:55,202,678, A>C. VCF-style: chr7-55202678-A-C. GRCh37 (hg19) VCF-style: chr7-55270371-A-C.
Other names: c.3189A>C, p.Ser1063= (NM_001346897.2); c.3324A>C, p.Ser1108= (NM_001346898.2); c.3136+53A>C (NM_001346899.2); c.2470+53A>C (NM_001346941.2); c.3112+53A>C (NM_001346900.2).
Identifiers: ClinVar variation 3905222 (VCV003905222.10).